The following is an entry in ClinVar:

NM_001130965.3(SUN1):c.904T>A (p.Leu302Ile)

Gene: SUN1 (Sad1 and UNC84 domain containing 1; plus strand). Cytogenetic location: 7p22.3.
Variant type: single nucleotide variant.
Coding change: c.904T>A on transcript NM_001130965.3 (MANE Select); coding-DNA position 904, T replaced by A.
Protein change: p.Leu302Ile; replaces leucine 302 with isoleucine.
Molecular consequence: missense variant. On other transcripts: non-coding transcript variant (3).
Genome position (GRCh38, 1-based): chr7:852,661, T>A. VCF-style: chr7-852661-T-A. GRCh37 (hg19) VCF-style: chr7-892298-T-A.
Other names: c.598T>A, p.Leu200Ile (NM_001171944.2); c.904T>A, p.Leu302Ile (NM_001367633.1, NM_001367634.1, NM_001367653.1 and 3 more transcripts); c.553T>A, p.Leu185Ile (NM_001367635.1); c.1147T>A, p.Leu383Ile (NM_001367636.1, NM_001367655.1, NM_001367666.1 and 1 more transcripts); c.1015T>A, p.Leu339Ile (NM_001367638.1, NM_001367696.1, NM_001367664.1 and 1 more transcripts); c.448T>A, p.Leu150Ile (NM_001367639.1); c.1087T>A, p.Leu363Ile (NM_001367640.1, NM_001367675.1, NM_001367676.1); c.1186T>A, p.Leu396Ile (NM_001367641.1, NM_001367698.1, NM_001367682.1); and 24 more; short protein forms F85Y, L252I, L297I, L302I, L311I, L256I, L280I, L289I.
Identifiers: ClinVar variation 2060194 (VCV002060194.4), dbSNP rs2487412521, ClinGen allele CA366529529.

ClinVar aggregate classification (germline): Uncertain significance (1 of 4 stars; one submission).

Conditions:
Emery-Dreifuss muscular dystrophy (EDMD). Also called: Scapuloperoneal syndrome, X-linked (formerly); Humeroperoneal neuromuscular disease, (formerly). Identifiers: Orphanet 261, MedGen C0410189, MONDO:0016830.

Submission:

Labcorp Genetics (formerly Invitae), Labcorp
Classification: Uncertain significance for Emery-Dreifuss muscular dystrophy. Last evaluated: 2022-02-08. Review status: criteria provided, single submitter. Criteria: Invitae Variant Classification Sherloc (09022015). Collection method: clinical testing. Allele origin: germline.
Comment: In summary, the available evidence is currently insufficient to determine the role of this variant in disease. Therefore, it has been classified as a Variant of Uncertain Significance. Algorithms developed to predict the effect of missense changes on protein structure and function are either unavailable or do not agree on the potential impact of this missense change (SIFT: "Tolerated"; PolyPhen-2: "Probably Damaging"; Align-GVGD: "Class C0"). This variant has not been reported in the literature in individuals affected with SUN1-related conditions. This variant is not present in population databases (gnomAD no frequency). This sequence change replaces leucine, which is neutral and non-polar, with isoleucine, which is neutral and non-polar, at codon 302 of the SUN1 protein (p.Leu302Ile).